The following is an entry in ClinVar:

ClinVar aggregate classification (germline): Uncertain significance. Review status: criteria provided, multiple submitters, no conflicts (2 of 4 stars). 3 submissions from 3 submitters: Uncertain significance (3). Last evaluated 2025-10-23.

Conditions:
Alport syndrome. Also called: Hemorrhagic familial nephritis; Hemorrhagic hereditary nephritis; Congenital hereditary hematuria. Identifiers: Orphanet 63, MedGen C1567741, MONDO:0018965.
Hematuria, benign familial, 2 (BFH2). Identifiers: MedGen C5830421, MONDO:0958186, OMIM 620320.
Autosomal dominant Alport syndrome (ATS3A). Also called: ALPORT SYNDROME 3A, AUTOSOMAL DOMINANT; Alport syndrome dominant type; Renal failure and sensorineural hearing loss. Identifiers: Orphanet 63, Orphanet 88918, MedGen C5882663, MONDO:0007086, OMIM 104200.
Alport syndrome 3b, autosomal recessive. Identifiers: MedGen C5882699, MONDO:0957811, OMIM 620536.

Allele frequency attached by ClinVar (database versions not stated): gnomAD exomes below 0.00001; ExAC 0.00002.
gnomAD v4.1: 8 of 1,614,006 alleles (0.0005%); highest among the groups gnomAD compares: Non-Finnish European, 0.00051%; no homozygotes.

Submissions (3):

Myriad Genetics, Inc.
Classification: Uncertain significance for Alport syndrome. Last evaluated: 2025-10-23. Review status: criteria provided, single submitter. Criteria: Myriad Autosomal Dominant, Autosomal Recessive and X-Linked Classification Criteria (2023). Collection method: clinical testing. Allele origin: unknown.
Comment: NM_000091.4(COL4A3):c.3925C>T(P1309S) is a missense variant classified as a variant of uncertain significance in the context of Alport syndrome, COL4A3-related. P1309S has been observed in a case with relevant disease (PMID: 38790222). Relevant functional assessments of this variant are not available in the literature. P1309S has been observed in referenced population frequency databases. In summary, there is insufficient evidence to classify NM_000091.4(COL4A3):c.3925C>T(P1309S) as pathogenic or benign. Please note: this variant was assessed in the context of healthy population screening.

Fulgent Genetics
Classification: Uncertain significance for Autosomal dominant Alport syndrome; Hematuria, benign familial, 2; Alport syndrome 3b, autosomal recessive. Last evaluated: 2024-04-15. Review status: criteria provided, single submitter. Criteria: ACMG Guidelines, 2015. Collection method: clinical testing. Allele origin: germline.

Labcorp Genetics (formerly Invitae), Labcorp
Classification: Uncertain significance. Last evaluated: 2022-05-20. Review status: criteria provided, single submitter. Criteria: Invitae Variant Classification Sherloc (09022015). Collection method: clinical testing. Allele origin: germline.
Comment: This sequence change replaces proline, which is neutral and non-polar, with serine, which is neutral and polar, at codon 1309 of the COL4A3 protein (p.Pro1309Ser). This variant is present in population databases (rs769522094, gnomAD 0.002%). This variant has not been reported in the literature in individuals affected with COL4A3-related conditions. Advanced modeling of protein sequence and biophysical properties (such as structural, functional, and spatial information, amino acid conservation, physicochemical variation, residue mobility, and thermodynamic stability) performed at Invitae indicates that this missense variant is not expected to disrupt COL4A3 protein function. In summary, the available evidence is currently insufficient to determine the role of this variant in disease. Therefore, it has been classified as a Variant of Uncertain Significance.

Literature cited by the submitters: PubMed 38790222 (cited by Myriad Genetics, Inc.).

NM_000091.5(COL4A3):c.3925C>T (p.Pro1309Ser)

Genes: COL4A3 (collagen type IV alpha 3 chain; plus strand), MFF-DT (MFF divergent transcript; minus strand). Cytogenetic location: 2q36.3.
Variant type: single nucleotide variant.
Coding change: c.3925C>T on transcript NM_000091.5 (MANE Select); coding-DNA position 3925, C replaced by T.
Protein change: p.Pro1309Ser; replaces proline 1309 with serine.
Molecular consequence: missense variant.
Genome position (GRCh38, 1-based): chr2:227,303,080, C>T. VCF-style: chr2-227303080-C-T. GRCh37 (hg19) VCF-style: chr2-228167796-C-T.
Other names: short protein forms P1309S.
Identifiers: ClinVar variation 1899661 (VCV001899661.4), dbSNP rs769522094, ClinGen allele CA2147386.